The following is an entry in ClinVar:

NM_000748.3(CHRNB2):c.1102C>G (p.Arg368Gly)

Gene: CHRNB2 (cholinergic receptor nicotinic beta 2 subunit; plus strand). Cytogenetic location: 1q21.3.
Variant type: single nucleotide variant.
Coding change: c.1102C>G on transcript NM_000748.3 (MANE Select); coding-DNA position 1102, C replaced by G.
Protein change: p.Arg368Gly; replaces arginine 368 with glycine.
Molecular consequence: missense variant.
Genome position (GRCh38, 1-based): chr1:154,571,925, C>G. VCF-style: chr1-154571925-C-G. GRCh37 (hg19) VCF-style: chr1-154544401-C-G.
Other names: short protein forms R368G.
Identifiers: ClinVar variation 2913306 (VCV002913306.3), dbSNP rs982967837, ClinGen allele CA30834938.

ClinVar aggregate classification (germline): Uncertain significance (1 of 4 stars; one submission).

Conditions:
Familial sleep-related hypermotor epilepsy. Also called: Autosomal Dominant Sleep-Related Hypermotor (Hyperkinetic) Epilepsy. Identifiers: Orphanet 98784, MedGen C3696898, MONDO:0000030.

Allele frequency attached by ClinVar (database versions not stated): gnomAD 0.00001; TOPMed 0.00001.
gnomAD v4.1: 1 of 1,561,190 alleles (0.000064%); highest among the groups gnomAD compares: African/African-American, 0.0014%; no homozygotes.

Submission:

Labcorp Genetics (formerly Invitae), Labcorp
Classification: Uncertain significance. Last evaluated: 2024-01-16. Review status: criteria provided, single submitter. Criteria: Invitae Variant Classification Sherloc (09022015). Collection method: clinical testing. Allele origin: germline.
Comment: This sequence change replaces arginine, which is basic and polar, with glycine, which is neutral and non-polar, at codon 368 of the CHRNB2 protein (p.Arg368Gly). This variant is not present in population databases (gnomAD no frequency). This variant has not been reported in the literature in individuals affected with CHRNB2-related conditions. Advanced modeling of protein sequence and biophysical properties (such as structural, functional, and spatial information, amino acid conservation, physicochemical variation, residue mobility, and thermodynamic stability) performed at Invitae indicates that this missense variant is not expected to disrupt CHRNB2 protein function with a negative predictive value of 80%. In summary, the available evidence is currently insufficient to determine the role of this variant in disease. Therefore, it has been classified as a Variant of Uncertain Significance.